The following is an entry in ClinVar:

ClinVar aggregate classification (germline): Uncertain significance (1 of 4 stars; one submission).

Conditions:
Primary ciliary dyskinesia 19. Also called: CILIARY DYSKINESIA, PRIMARY, 19, WITH OR WITHOUT SITUS INVERSUS. Identifiers: Orphanet 244, MedGen C3543826, MONDO:0013979, OMIM 614935.

Allele frequency attached by ClinVar (database versions not stated): gnomAD exomes below 0.00001; gnomAD 0.00001.
gnomAD v4.1: 5 of 1,613,496 alleles (0.00031%); highest among the groups gnomAD compares: Non-Finnish European, 0.00042%; no homozygotes.

Submission:

Labcorp Genetics (formerly Invitae), Labcorp
Classification: Uncertain significance for Primary ciliary dyskinesia 19. Last evaluated: 2019-04-09. Review status: criteria provided, single submitter. Criteria: Invitae Variant Classification Sherloc (09022015). Collection method: clinical testing. Allele origin: germline.
Comment: This sequence change replaces glutamic acid with alanine at codon 404 of the LRRC6 protein (p.Glu404Ala). The glutamic acid residue is moderately conserved and there is a moderate physicochemical difference between glutamic acid and alanine. This variant is not present in population databases (ExAC no frequency). This variant has not been reported in the literature in individuals with LRRC6-related conditions. Algorithms developed to predict the effect of missense changes on protein structure and function (SIFT, PolyPhen-2, Align-GVGD) all suggest that this variant is likely to be tolerated, but these predictions have not been confirmed by published functional studies and their clinical significance is uncertain. In summary, the available evidence is currently insufficient to determine the role of this variant in disease. Therefore, it has been classified as a Variant of Uncertain Significance.

NM_012472.6(DNAAF11):c.1211A>C (p.Glu404Ala)

Gene: DNAAF11 (dynein axonemal assembly factor 11; minus strand). Cytogenetic location: 8q24.22.
Variant type: single nucleotide variant.
Coding change: c.1211A>C on transcript NM_012472.6 (MANE Select); coding-DNA position 1211, A replaced by C.
Protein change: p.Glu404Ala; replaces glutamic acid 404 with alanine.
Molecular consequence: missense variant. On other transcripts: non-coding transcript variant (10).
Genome position (GRCh38, 1-based): chr8:132,583,709, T>G on the plus strand (A>C on the coding strand, the complement: DNAAF11 is on the minus strand). VCF-style: chr8-132583709-T-G. GRCh37 (hg19) VCF-style: chr8-133595956-T-G.
Other names: c.1151A>C, p.Glu384Ala (NM_001321961.2); c.965A>C, p.Glu322Ala (NM_001321962.2); c.851A>C, p.Glu284Ala (NM_001321963.2, NM_001321964.2, NM_001321965.2); c.791A>C, p.Glu264Ala (NM_001321966.2); short protein forms E322A, E384A, E264A, E284A, E404A.
Identifiers: ClinVar variation 837976 (VCV000837976.9), dbSNP rs1035489731, ClinGen allele CA186269783.